The following is an entry in ClinVar:

ClinVar aggregate classification (germline): Pathogenic. Review status: reviewed by expert panel (3 of 4 stars). 3 submissions from 3 submitters: Pathogenic (1). 2 of the submissions do not count toward it. Last evaluated 2016-09-08.

Conditions:
Hereditary cancer-predisposing syndrome. Also called: Neoplastic Syndromes, Hereditary; Tumor predisposition; Hereditary Cancer Syndrome; Hereditary neoplastic syndrome. Identifiers: Orphanet 140162, MedGen C0027672, MeSH D009386, MONDO:0015356.
Breast-ovarian cancer, familial, susceptibility to, 2 (BROVCA2). Also called: BRCA2 Hereditary Breast and Ovarian Cancer. Identifiers: Orphanet 145, MedGen C2675520, MONDO:0012933, OMIM 612555. Disease mechanism: loss of function.

Submissions (3):

Evidence-based Network for the Interpretation of Germline Mutant Alleles (ENIGMA)
Classification: Pathogenic for Breast-ovarian cancer, familial, susceptibility to, 2. Last evaluated: 2016-09-08. Review status: reviewed by expert panel. Criteria: ENIGMA BRCA1/2 Classification Criteria (2015). Collection method: curation. Allele origin: germline.
Comment: Variant allele predicted to encode a truncated non-functional protein.

Ambry Genetics
Classification: Pathogenic for Hereditary cancer-predisposing syndrome. Last evaluated: 2014-11-28. Review status: criteria provided, single submitter. Criteria: Ambry Variant Classification Scheme 2023. Collection method: clinical testing. Allele origin: germline. Not counted in ClinVar's aggregate classification.
Comment: The c.1219delC pathogenic mutation (also known as 1447delC), located in coding exon 9 of the BRCA2 gene, results from a deletion of one nucleotide at position 1219, causing a translational frameshift with a predicted alternate stop codon. Since frameshifts are typically deleterious in nature, this alteration is interpreted as a disease-causing mutation (ACMG Recommendations for Standards for Interpretation and Reporting of Sequence Variations. Revision 2007. Genet Med. 2008;10:294).

Breast Cancer Information Core (BIC) (BRCA2)
Classification: Pathogenic for Breast-ovarian cancer, familial 2. Last evaluated: 2003-12-23. Review status: no assertion criteria provided. Collection method: clinical testing. Allele origin: germline. Affected: yes. Observed: 1 variant allele. Not counted in ClinVar's aggregate classification.

NM_000059.4(BRCA2):c.1219del (p.Gln407fs)

Gene: BRCA2 (BRCA2 DNA repair associated; plus strand). Cytogenetic location: 13q13.1.
Variant type: Deletion.
Coding change: c.1219del on transcript NM_000059.4 (MANE Select); coding-DNA position 1219, one base deleted (C; older notation c.1219delC).
Protein change: p.Gln407fs; shifts the reading frame from glutamine 407.
Molecular consequence: frameshift variant.
Genome position (GRCh38, 1-based): chr13:32,332,697, C deleted; the last of 3 consecutive C bases (chr13:32,332,695-32,332,697); deleting any one gives the same sequence. VCF-style (leftmost placement, unchanged base first): chr13-32332694-GC-G. GRCh37 (hg19) VCF-style: chr13-32906831-GC-G.
Other names: 1447delC; c.1219delC (NM_000059.3); short protein forms Q407fs.
Identifiers: ClinVar variation 51084 (VCV000051084.6), dbSNP rs80359267, ClinGen allele CA011200.